The following is an entry in ClinVar:

NM_000051.4(ATM):c.8479T>A (p.Phe2827Ile)

Genes: ATM (ATM serine/threonine kinase; plus strand), C11orf65 (chromosome 11 open reading frame 65; minus strand). Cytogenetic location: 11q22.3.
Variant type: single nucleotide variant.
Coding change: c.8479T>A on transcript NM_000051.4 (MANE Select); coding-DNA position 8479, T replaced by A.
Protein change: p.Phe2827Ile; replaces phenylalanine 2827 with isoleucine.
Molecular consequence: missense variant. On other transcripts: intron variant (2).
Genome position (GRCh38, 1-based): chr11:108,345,803, T>A. VCF-style: chr11-108345803-T-A. GRCh37 (hg19) VCF-style: chr11-108216530-T-A.
Other names: c.8479T>A, p.Phe2827Ile (NM_001351834.2); c.641-36732A>T (NM_001330368.2); c.695-10511A>T (NM_001351110.2); short protein forms F2827I.
Identifiers: ClinVar variation 186122 (VCV000186122.16), dbSNP rs370152402, ClinGen allele CA193918.

ClinVar aggregate classification (germline): Conflicting classifications of pathogenicity. Review status: criteria provided, conflicting classifications (1 of 4 stars). 4 submissions from 4 submitters: Likely pathogenic (3); Uncertain significance (1). Last evaluated 2026-09-01.

Conditions:
Hereditary cancer-predisposing syndrome. Also called: Hereditary Cancer Syndrome; Tumor predisposition; Neoplastic Syndromes, Hereditary; Hereditary neoplastic syndrome. Identifiers: Orphanet 140162, MedGen C0027672, MeSH D009386, MONDO:0015356.
Ataxia-telangiectasia syndrome (AT). Also called: ATAXIA-TELANGIECTASIA, COMPLEMENTATION GROUP A; ATAXIA-TELANGIECTASIA, FRESNO VARIANT; Ataxia-telangiectasia; Ataxia-telangiectasia, complementation group E; Cerebello-oculocutaneous telangiectasia; Immunodeficiency with ataxia telangiectasia. Identifiers: Orphanet 100, MedGen C0004135, MONDO:0008840, OMIM 208900.

Allele frequency attached by ClinVar (database versions not stated): gnomAD 0.00001; ESP Exome Variant Server 0.00008; TOPMed 0.00002.
gnomAD v4.1: 1 of 1,613,796 alleles (0.000062%); highest among the groups gnomAD compares: African/African-American, 0.0013%; no homozygotes.

Submissions (4):

CeGaT Center for Human Genetics Tuebingen
Classification: Likely pathogenic. Last evaluated: 2026-09-01. Review status: criteria provided, single submitter. Criteria: CeGaT Center For Human Genetics Tuebingen Variant Classification Criteria Version 2. Collection method: clinical testing. Allele origin: germline. Affected: yes. Observed: 1 variant allele.
Comment: ATM: PM1, PM2, PM5

Ambry Genetics
Classification: Likely pathogenic for Hereditary cancer-predisposing syndrome. Last evaluated: 2025-12-03. Review status: criteria provided, single submitter. Criteria: Ambry Variant Classification Scheme 2023. Collection method: clinical testing. Allele origin: germline.
Comment: The p.F2827I variant (also known as c.8479T>A), located in coding exon 57 of the ATM gene, results from a T to A substitution at nucleotide position 8479. The phenylalanine at codon 2827 is replaced by isoleucine, an amino acid with highly similar properties. This variant has been identified in conjunction with other ATM variant(s) in individual(s) with features consistent with ataxia telangiectasia (Micol R et al. J Allergy Clin Immunol, 2011 Aug;128:382-9.e1). In an assay testing ATM function, this variant showed a functionally abnormal result (Lee KS et al. Cell, 2025 Sep;188:5081-5099.e27). Based on internal structural analysis, this variant is more disruptive than known pathogenic variants (Bareti D et al. Sci Adv, 2017 May;3:e1700933; Ambry internal data). This variant is considered to be rare based on population cohorts in the Genome Aggregation Database (gnomAD). This amino acid position is highly conserved in available vertebrate species. In addition, this alteration is predicted to be deleterious by in silico analysis. Based on the majority of available evidence to date, this variant is likely to be pathogenic.

Labcorp Genetics (formerly Invitae), Labcorp
Classification: Likely pathogenic for Ataxia-telangiectasia syndrome. Last evaluated: 2025-08-18. Review status: criteria provided, single submitter. Criteria: Invitae Variant Classification Sherloc (09022015). Collection method: clinical testing. Allele origin: germline.
Comment: This sequence change replaces phenylalanine, which is neutral and non-polar, with isoleucine, which is neutral and non-polar, at codon 2827 of the ATM protein (p.Phe2827Ile). This variant is not present in population databases (gnomAD no frequency). This missense change has been observed in individual(s) with ataxia-telangiectasia (PMID: 14970866; internal data). ClinVar contains an entry for this variant (Variation ID: 186122). Invitae Evidence Modeling of protein sequence and biophysical properties (such as structural, functional, and spatial information, amino acid conservation, physicochemical variation, residue mobility, and thermodynamic stability) has been performed for this missense variant. However, the output from this modeling did not meet the statistical confidence thresholds required to predict the impact of this variant on ATM protein function. Experimental studies have shown that this missense change affects ATM function (PMID: 14970866). This variant disrupts the p.Phe2827 amino acid residue in ATM. Other variant(s) that disrupt this residue have been determined to be pathogenic (PMID: 8755918, 9000145, 19431188, 25040471). This suggests that this residue is clinically significant, and that variants that disrupt this residue are likely to be disease-causing. In summary, the currently available evidence indicates that the variant is pathogenic, but additional data are needed to prove that conclusively. Therefore, this variant has been classified as Likely Pathogenic.

GeneDx
Classification: Uncertain significance. Last evaluated: 2016-06-02. Review status: criteria provided, single submitter. Criteria: GeneDx Variant Classification (06012015). Collection method: clinical testing. Allele origin: germline. Affected: yes.
Comment: This variant is denoted ATM c.8479T>A at the cDNA level, p.Phe2827Ile (F2827I) at the protein level, and results in the change of a Phenylalanine to an Isoleucine (TTT>ATT). Functional studies demonstrated cells heterozygous for this variant showed decreased cell survival, mRNA expression levels, and increased radiosensitivity compared to wild type cells (Fernet 2004). ATM Phe2827Ile was not observed at a significant allele frequency in the NHLBI Exome Sequencing Project. Since Phenylalanine and Isoleucine share similar properties, this is considered a conservative amino acid substitution. ATM Phe2827Ile occurs at a position that is conserved across species and is located in the PI3-PI4 kinase domain (Tavtigian 2009, Stracker 2013, UniProt). In silico analyses predict that this variant is probably damaging to protein structure and function. Based on currently available evidence, it is unclear whether ATM Phe2827Ile is a pathogenic or benign variant. We consider it to be a variant of uncertain significance.

Literature cited by the submitters: PubMed 21665257 (cited by Ambry Genetics); PubMed 28508083 (cited by Ambry Genetics); PubMed 40580951 (cited by Ambry Genetics); PubMed 14970866 (cited by Labcorp Genetics (formerly Invitae), Labcorp); PubMed 8755918 (cited by Labcorp Genetics (formerly Invitae), Labcorp); PubMed 9000145 (cited by Labcorp Genetics (formerly Invitae), Labcorp); PubMed 19431188 (cited by Labcorp Genetics (formerly Invitae), Labcorp); PubMed 25040471 (cited by Labcorp Genetics (formerly Invitae), Labcorp).